The following is an entry in ClinVar:

NM_001085458.2(CTNND1):c.2051C>T (p.Ser684Leu)

Genes: TMX2-CTNND1 (TMX2-CTNND1 readthrough (NMD candidate); plus strand), CTNND1 (catenin delta 1; plus strand). Cytogenetic location: 11q12.1.
Variant type: single nucleotide variant.
Coding change: c.2051C>T on transcript NM_001085458.2 (MANE Select); coding-DNA position 2051, C replaced by T.
Protein change: p.Ser684Leu; replaces serine 684 with leucine.
Molecular consequence: missense variant. On other transcripts: non-coding transcript variant (1).
Genome position (GRCh38, 1-based): chr11:57,808,252, C>T. VCF-style: chr11-57808252-C-T. GRCh37 (hg19) VCF-style: chr11-57575724-C-T.
Other names: c.2033C>T, p.Ser678Leu (NM_001085459.2, NM_001085460.2, NM_001085461.2 and 2 more transcripts); c.1748C>T, p.Ser583Leu (NM_001085463.2, NM_001085466.2); c.1730C>T, p.Ser577Leu (NM_001085464.2, NM_001085465.2, NM_001085467.2 and 3 more transcripts); c.1889C>T, p.Ser630Leu (NM_001206883.2, NM_001206884.2); c.2051C>T, p.Ser684Leu (NM_001206885.2); c.1871C>T, p.Ser624Leu (NM_001206886.2, NM_001206887.2, NM_001206888.2 and 2 more transcripts); short protein forms S577L, S583L, S624L, S630L, S678L, S684L.
Identifiers: ClinVar variation 3368663 (VCV003368663.1).
Genomic context (GRCh38, chr11:57,808,252, plus strand): 5'-TGGTTCGGATATACATCTCACTTCTTAAGGAGAGCAAGACTCCTGCCATCCTAGAAGCCT[C>T]AGCTGGAGCTATCCAGAACTTGTGTGCTGGGCGCTGGACGGTACCTTTTAGAAAAGGGAT-3'
Protein context (NP_001078927.1, residues 674-694): ESKTPAILEA[Ser684Leu]AGAIQNLCAG

ClinVar aggregate classification (germline): Uncertain significance (1 of 4 stars; one submission).

Submission:

GeneDx
Classification: Uncertain significance. Last evaluated: 2024-02-07. Review status: criteria provided, single submitter. Criteria: GeneDx Variant Classification Process June 2021. Collection method: clinical testing. Allele origin: germline. Affected: yes.
Comment: Not observed at significant frequency in large population cohorts (gnomAD); In silico analysis supports that this missense variant has a deleterious effect on protein structure/function; Has not been previously published as pathogenic or benign to our knowledge